The following is an entry in ClinVar:

ClinVar aggregate classification (germline): Uncertain significance (1 of 4 stars; one submission).

gnomAD v4.1: 31 of 1,613,562 alleles (0.0019%); highest among the groups gnomAD compares: Non-Finnish European, 0.0024%; no homozygotes.

Submission:

Labcorp Genetics (formerly Invitae), Labcorp
Classification: Uncertain significance. Last evaluated: 2022-10-14. Review status: criteria provided, single submitter. Criteria: Invitae Variant Classification Sherloc (09022015). Collection method: clinical testing. Allele origin: germline.
Comment: Advanced modeling of protein sequence and biophysical properties (such as structural, functional, and spatial information, amino acid conservation, physicochemical variation, residue mobility, and thermodynamic stability) performed at Invitae indicates that this missense variant is not expected to disrupt C3 protein function. This sequence change replaces glutamic acid, which is acidic and polar, with lysine, which is basic and polar, at codon 822 of the C3 protein (p.Glu822Lys). This variant is not present in population databases (gnomAD no frequency). This variant has not been reported in the literature in individuals affected with C3-related conditions. In summary, the available evidence is currently insufficient to determine the role of this variant in disease. Therefore, it has been classified as a Variant of Uncertain Significance.

NM_000064.4(C3):c.2464G>A (p.Glu822Lys)

Gene: C3 (complement C3; minus strand). Cytogenetic location: 19p13.3.
Variant type: single nucleotide variant.
Coding change: c.2464G>A on transcript NM_000064.4 (MANE Select); coding-DNA position 2464, G replaced by A.
Protein change: p.Glu822Lys; replaces glutamic acid 822 with lysine.
Molecular consequence: missense variant.
Genome position (GRCh38, 1-based): chr19:6,697,771, C>T on the plus strand (G>A on the coding strand, the complement: C3 is on the minus strand). VCF-style: chr19-6697771-C-T. GRCh37 (hg19) VCF-style: chr19-6697782-C-T.
Other names: short protein forms E822K.
Identifiers: ClinVar variation 2993491 (VCV002993491.3), dbSNP rs1967571402, ClinGen allele CA403634130.